The following is an entry in ClinVar:

ClinVar aggregate classification (germline): Pathogenic (1 of 4 stars; one submission).

Conditions:
Spastic paraplegia. Identifiers: MedGen C0037772, HP:0001258.

Submission:

Labcorp Genetics (formerly Invitae), Labcorp
Classification: Pathogenic for Spastic paraplegia. Last evaluated: 2025-08-11. Review status: criteria provided, single submitter. Criteria: Invitae Variant Classification Sherloc (09022015). Collection method: clinical testing. Allele origin: germline.
Comment: This sequence change creates a premature translational stop signal (p.Ser547Phefs*22) in the AP4E1 gene. It is expected to result in an absent or disrupted protein product. Loss-of-function variants in AP4E1 are known to be pathogenic (PMID: 21620353, 21937992, 23472171). This variant is not present in population databases (gnomAD no frequency). This variant has not been reported in the literature in individuals affected with AP4E1-related conditions. For these reasons, this variant has been classified as Pathogenic.

Literature cited by the submitters: PubMed 21620353; PubMed 21937992; PubMed 23472171.

NM_007347.5(AP4E1):c.1638_1639del (p.Ser547fs)

Gene: AP4E1 (adaptor related protein complex 4 subunit epsilon 1; plus strand). Cytogenetic location: 15q21.2.
Variant type: Microsatellite.
Coding change: c.1638_1639del on transcript NM_007347.5 (MANE Select); coding-DNA positions 1638 to 1639, 2 bases deleted (GT; older notation c.1638_1639delGT).
Protein change: p.Ser547fs; shifts the reading frame from serine 547.
Molecular consequence: frameshift variant.
Genome position (GRCh38, 1-based): chr15:50,958,581-50,958,582, GT deleted; deleting any 2 consecutive bases within chr15:50,958,578-50,958,582 gives the same sequence; the c. name uses the placement nearest the transcript's 3' end. VCF-style (leftmost placement, unchanged base first): chr15-50958577-CTG-C. GRCh37 (hg19) VCF-style: chr15-51250774-CTG-C.
Other names: c.1413_1414del, p.Ser472fs (NM_001252127.2); short protein forms S472fs, S547fs.
Identifiers: ClinVar variation 4811746 (VCV004811746.1).
Genomic context (GRCh38, chr15:50,958,577, plus strand): 5'-TAGATAAGGAAACGCCAGAGGAAGTTATAGCTAAGCTCTACAAGTTACTTATGAATGACT[CTG>C]TGTCTTCAGAAACAAAAGCCTGGTTAATTGCTGCTGTGACCAAATTGACATCTCAGGCGC-3'